The following is an entry in ClinVar:

NM_001318789.2(TLR2):c.1368C>A (p.Pro456=)

Gene: TLR2 (toll like receptor 2; plus strand). Cytogenetic location: 4q31.3.
Variant type: single nucleotide variant.
Coding change: c.1368C>A on transcript NM_001318789.2 (MANE Select); coding-DNA position 1368, C replaced by A.
Protein change: p.Pro456=; no amino-acid change (proline 456 retained).
Molecular consequence: synonymous variant.
Genome position (GRCh38, 1-based): chr4:153,704,275, C>A. VCF-style: chr4-153704275-C-A. GRCh37 (hg19) VCF-style: chr4-154625427-C-A.
Other names: c.1368C>A, p.Pro456= (NM_001318787.2, NM_001318790.2, NM_001318791.2 and 4 more transcripts).
Identifiers: ClinVar variation 3044153 (VCV003044153.2), dbSNP rs751701671, ClinGen allele CA3110882.
Genomic context (GRCh38, chr4:153,704,275, plus strand): 5'-AAAGATGAAATATTTGAACTTATCCAGCACACGAATACACAGTGTAACAGGCTGCATTCC[C>A]AAGACACTGGAAATTTTAGATGTTAGCAACAACAATCTCAATTTATTTTCTTTGAATTTG-3'
Protein context (NP_001305718.1, residues 446-466): TRIHSVTGCI[Pro456=]KTLEILDVSN

ClinVar aggregate classification (germline): Likely benign (0 of 4 stars; one submission).

Conditions:
TLR2-related disorder. Also called: TLR2-related condition.

Allele frequency attached by ClinVar (database versions not stated): TOPMed below 0.00001; gnomAD 0.00002; gnomAD exomes 0.00005; ExAC 0.00008.
gnomAD v4.1: 73 of 1,613,954 alleles (0.0045%); highest among the groups gnomAD compares: South Asian, 0.079%; 1 homozygote.

Submission:

PreventionGenetics, part of Exact Sciences
Classification: Likely benign for TLR2-related condition. Last evaluated: 2019-06-05. Review status: no assertion criteria provided. Collection method: clinical testing. Allele origin: germline.
Comment: This variant is classified as likely benign based on ACMG/AMP sequence variant interpretation guidelines (Richards et al. 2015 PMID: 25741868, with internal and published modifications).